The following is an entry in ClinVar:

ClinVar aggregate classification (germline): Uncertain significance. Review status: criteria provided, multiple submitters, no conflicts (2 of 4 stars). 2 submissions from 2 submitters: Uncertain significance (2). Last evaluated 2024-01-19.

Conditions:
Popliteal pterygium syndrome (PPS). Identifiers: Orphanet 294963, MedGen C0265259, MONDO:0017435.
Orofacial cleft 6, susceptibility to (OFC6). Also called: CLEFT LIP WITH OR WITHOUT CLEFT PALATE, NONSYNDROMIC, 6. Identifiers: MedGen C1837213, MONDO:0012141, OMIM 608864.
Van der Woude syndrome. Identifiers: Orphanet 888, MedGen C0175697, MONDO:0019508.

Submissions (2):

GeneDx
Classification: Uncertain significance. Last evaluated: 2024-01-19. Review status: criteria provided, single submitter. Criteria: GeneDx Variant Classification Process June 2021. Collection method: clinical testing. Allele origin: germline. Affected: yes.
Comment: Not observed at significant frequency in large population cohorts (gnomAD); In silico analysis supports that this missense variant has a deleterious effect on protein structure/function; Has not been previously published as pathogenic or benign to our knowledge

Labcorp Genetics (formerly Invitae), Labcorp
Classification: Uncertain significance for Orofacial cleft 6, susceptibility to; Van der Woude syndrome; Popliteal pterygium syndrome. Last evaluated: 2023-09-19. Review status: criteria provided, single submitter. Criteria: Invitae Variant Classification Sherloc (09022015). Collection method: clinical testing. Allele origin: germline.
Comment: In summary, the available evidence is currently insufficient to determine the role of this variant in disease. Therefore, it has been classified as a Variant of Uncertain Significance. Advanced modeling of protein sequence and biophysical properties (such as structural, functional, and spatial information, amino acid conservation, physicochemical variation, residue mobility, and thermodynamic stability) performed at Invitae indicates that this missense variant is not expected to disrupt IRF6 protein function. This variant has not been reported in the literature in individuals affected with IRF6-related conditions. This variant is not present in population databases (gnomAD no frequency). This sequence change replaces tryptophan, which is neutral and slightly polar, with arginine, which is basic and polar, at codon 217 of the IRF6 protein (p.Trp217Arg).

NM_006147.4(IRF6):c.649T>C (p.Trp217Arg)

Gene: IRF6 (interferon regulatory factor 6; minus strand). Cytogenetic location: 1q32.2.
Variant type: single nucleotide variant.
Coding change: c.649T>C on transcript NM_006147.4 (MANE Select); coding-DNA position 649, T replaced by C.
Protein change: p.Trp217Arg; replaces tryptophan 217 with arginine.
Molecular consequence: missense variant.
Genome position (GRCh38, 1-based): chr1:209,792,287, A>G on the plus strand (T>C on the coding strand, the complement: IRF6 is on the minus strand). VCF-style: chr1-209792287-A-G. GRCh37 (hg19) VCF-style: chr1-209965632-A-G.
Other names: c.364T>C, p.Trp122Arg (NM_001206696.2); c.649T>C (NM_006147.3); short protein forms W122R, W217R.
Identifiers: ClinVar variation 2952043 (VCV002952043.4), dbSNP rs2464674532, ClinGen allele CA344578858.